The following is an entry in ClinVar:

ClinVar aggregate classification (germline): Pathogenic (1 of 4 stars; one submission).

Conditions:
Hereditary cancer-predisposing syndrome. Also called: Tumor predisposition; Hereditary Cancer Syndrome; Hereditary neoplastic syndrome; Neoplastic Syndromes, Hereditary. Identifiers: Orphanet 140162, MedGen C0027672, MeSH D009386, MONDO:0015356.

Submission:

Ambry Genetics
Classification: Pathogenic for Hereditary cancer-predisposing syndrome. Last evaluated: 2023-07-17. Review status: criteria provided, single submitter. Criteria: Ambry Variant Classification Scheme 2023. Collection method: clinical testing. Allele origin: germline.
Comment: The c.2200delG pathogenic mutation, located in coding exon 13 of the ATM gene, results from a deletion of one nucleotide at nucleotide position 2200, causing a translational frameshift with a predicted alternate stop codon (p.V734*). This variant is considered to be rare based on population cohorts in the Genome Aggregation Database (gnomAD). This alteration is expected to result in loss of function by premature protein truncation or nonsense-mediated mRNA decay. As such, this alteration is interpreted as a disease-causing mutation.

NM_000051.4(ATM):c.2200del (p.Gly733_Val734insTer)

Gene: ATM (ATM serine/threonine kinase; plus strand). Cytogenetic location: 11q22.3.
Variant type: Deletion.
Coding change: c.2200del on transcript NM_000051.4 (MANE Select); coding-DNA position 2200, one base deleted (G; older notation c.2200delG).
Protein change: p.Gly733_Val734insTer.
Molecular consequence: nonsense.
Genome position (GRCh38, 1-based): chr11:108,256,290, G deleted. VCF-style (leftmost placement, unchanged base first): chr11-108256289-TG-T. GRCh37 (hg19) VCF-style: chr11-108127016-TG-T.
Other names: c.2200del, p.Gly733_Val734insTer (NM_001351834.2).
Identifiers: ClinVar variation 2587777 (VCV002587777.2), dbSNP rs2497359470, ClinGen allele CA2582342454.